The following is an entry in ClinVar:

ClinVar aggregate classification (germline): Benign. Review status: reviewed by expert panel (3 of 4 stars). 13 submissions from 13 submitters: Benign (1). 12 of the submissions do not count toward it. Last evaluated 2019-06-18.

Conditions:
BRCA2-related disorder. Also called: BRCA2-related condition; BRCA2-related disorders. Identifiers: MedGen CN239275.
Hereditary cancer-predisposing syndrome. Also called: Hereditary Cancer Syndrome; Neoplastic Syndromes, Hereditary; Hereditary neoplastic syndrome; Tumor predisposition. Identifiers: Orphanet 140162, MedGen C0027672, MeSH D009386, MONDO:0015356.
Hereditary breast ovarian cancer syndrome. Also called: Hereditary breast and ovarian cancer syndrome; Breast and ovarian cancer; BRCA1- and BRCA2-Associated Hereditary Breast and Ovarian Cancer; Hereditary breast and/or ovarian cancer syndrome; Hereditary breast and ovarian cancer; Hereditary breast and ovarian cancer syndrome (HBOC). Identifiers: Orphanet 145, MedGen C0677776, MeSH D061325, MONDO:0003582. Disease mechanism: loss of function.
Breast-ovarian cancer, familial, susceptibility to, 2 (BROVCA2). Also called: BRCA2 Hereditary Breast and Ovarian Cancer. Identifiers: Orphanet 145, MedGen C2675520, MONDO:0012933, OMIM 612555. Disease mechanism: loss of function.

Allele frequency attached by ClinVar (database versions not stated): gnomAD 0.00003; TOPMed 0.00003; gnomAD exomes 0.00007 and 0.00018; ExAC 0.00013.
gnomAD v4.1: 48 of 1,613,934 alleles (0.003%); highest among the groups gnomAD compares: Admixed American, 0.08%; no homozygotes.

Submissions (13):

Evidence-based Network for the Interpretation of Germline Mutant Alleles (ENIGMA)
Classification: Benign for Breast-ovarian cancer, familial, susceptibility to, 2. Last evaluated: 2019-06-18. Review status: reviewed by expert panel. Criteria: ENIGMA BRCA1/2 Classification Criteria (2017-06-29). Collection method: curation. Allele origin: germline.
Comment: Variant allele has low bioinformatic likelihood to encode a missense alteration affecting protein function (Missense prior probability 0.02), AND low bioinformatic likelihood to alter mRNA splicing (splicing prior 0.02), AND minor allele frequency 0.00128 (Latino), derived from gnomAD v2.1.1 non-cancer (2019-05-13).

Labcorp Genetics (formerly Invitae), Labcorp
Classification: Likely benign for Hereditary breast ovarian cancer syndrome. Last evaluated: 2026-01-26. Review status: criteria provided, single submitter. Criteria: Invitae Variant Classification Sherloc (09022015). Collection method: clinical testing. Allele origin: germline. Not counted in ClinVar's aggregate classification.

PreventionGenetics, part of Exact Sciences
Classification: Likely benign for BRCA2-related condition. Last evaluated: 2025-05-22. Review status: criteria provided, single submitter. Criteria: ACMG Guidelines, 2015. Collection method: clinical testing. Allele origin: germline. Not counted in ClinVar's aggregate classification.
Comment: This variant is classified as likely benign based on ACMG/AMP sequence variant interpretation guidelines (Richards et al. 2015 PMID: 25741868, with internal and published modifications).

Women's Health and Genetics/Laboratory Corporation of America, LabCorp
Classification: Benign. Last evaluated: 2022-09-02. Review status: criteria provided, single submitter. Criteria: LabCorp Variant Classification Summary - May 2015. Collection method: clinical testing. Allele origin: germline. Not counted in ClinVar's aggregate classification.
Comment: Variant summary: BRCA2 c.3575T>G (p.Phe1192Cys) results in a non-conservative amino acid change in the encoded protein sequence. Two of four in-silico tools predict a benign effect of the variant on protein function. The variant allele was found at a frequency of 0.00018 in 251062 control chromosomes, predominantly at a frequency of 0.0013 within the Latino subpopulation in the gnomAD database. The observed variant frequency within Latino control individuals in the gnomAD database is approximately 1.73 fold of the estimated maximal expected allele frequency for a pathogenic variant in BRCA2 causing Hereditary Breast And Ovarian Cancer Syndrome phenotype (0.00075), strongly suggesting that the variant is a benign polymorphism found primarily in populations of Latino origin.c.3575T>G has been reported in the literature in individuals affected with HBOC, colorectal cancer and gastroesophageal adenocarcinoma (Lee_2008; Keihimi_2017, Kato_2018). These reports do not provide unequivocal conclusions about association of the variant with Hereditary Breast And Ovarian Cancer Syndrome. To our knowledge, no experimental evidence demonstrating an impact on protein function has been reported. Eight clinical diagnostic laboratories and an expert panel (ENIGMA) have submitted clinical-significance assessments for this variant to ClinVar after 2014 without evidence for independent evaluation. Seven submitters to include the expert panel classified the variant as likely benign/benign while two classified as VUS. Based on the evidence outlined above, the variant was classified as benign.

Quest Diagnostics Nichols Institute San Juan Capistrano
Classification: Benign. Last evaluated: 2022-08-19. Review status: criteria provided, single submitter. Criteria: Quest Diagnostics criteria. Collection method: clinical testing. Allele origin: unknown. Not counted in ClinVar's aggregate classification.

Sema4
Classification: Likely benign for Hereditary cancer-predisposing syndrome. Last evaluated: 2021-10-25. Review status: criteria provided, single submitter. Criteria: Sema4 Curation Guidelines. Collection method: curation. Allele origin: germline. Not counted in ClinVar's aggregate classification.

GeneDx
Classification: Likely benign. Last evaluated: 2020-08-25. Review status: criteria provided, single submitter. Criteria: GeneDx Variant Classification Process June 2021. Collection method: clinical testing. Allele origin: germline. Affected: yes. Not counted in ClinVar's aggregate classification.
Comment: This variant is associated with the following publications: (PMID: 22810696, 18284688, 28591715)

Ambry Genetics
Classification: Likely benign for Hereditary cancer-predisposing syndrome. Last evaluated: 2018-10-29. Review status: criteria provided, single submitter. Criteria: Ambry Variant Classification Scheme 2023. Collection method: clinical testing. Allele origin: germline. Not counted in ClinVar's aggregate classification.

ARUP Laboratories, Molecular Genetics and Genomics, ARUP Laboratories
Classification: Uncertain significance. Last evaluated: 2017-07-10. Review status: criteria provided, single submitter. Criteria: ARUP Molecular Germline Variant Investigation Process. Collection method: clinical testing. Allele origin: germline. Not counted in ClinVar's aggregate classification.
Comment: The BRCA2 c.3575T>G; p.Phe1192Cys variant (rs80358606) is reported in the ClinVar database as uncertain or likely benign (Variation ID: 51490), and observed in general population databases with an allele frequency of 0.13 percent (45/34404 alleles) in Latinos in the Genome Aggregation Database. The phenylalanine at codon 1192 is weakly conserved across species and computational algorithms (Align GVGD, SIFT, MutationTaster, Prior Probabilities) predict this variant to be tolerated. However, with the limited information regarding p.Phe1192Cys, its clinical significance is uncertain at this time. REFERENCES Link to ClinVar database for p.Phe1192Cys

Color Diagnostics, LLC DBA Color Health
Classification: Likely benign for Hereditary cancer-predisposing syndrome. Last evaluated: 2017-04-26. Review status: criteria provided, single submitter. Criteria: ACMG Guidelines, 2015. Collection method: clinical testing. Allele origin: germline. Not counted in ClinVar's aggregate classification.

Counsyl
Classification: Uncertain significance for Breast-ovarian cancer, familial, susceptibility to, 2. Last evaluated: 2016-11-02. Review status: no assertion criteria provided. Collection method: clinical testing. Allele origin: unknown. Not counted in ClinVar's aggregate classification.

Sharing Clinical Reports Project (SCRP)
Classification: Likely benign for Breast-ovarian cancer, familial 2. Last evaluated: 2012-07-09. Review status: no assertion criteria provided. Collection method: clinical testing. Allele origin: germline. Not counted in ClinVar's aggregate classification.

Breast Cancer Information Core (BIC) (BRCA2)
Classification: Uncertain significance for Breast-ovarian cancer, familial 2. Last evaluated: 2001-10-29. Review status: no assertion criteria provided. Collection method: clinical testing. Allele origin: germline, unknown. Affected: yes. Observed: 3 variant alleles. Not counted in ClinVar's aggregate classification.

Literature cited by the submitters: PubMed 18284688 (cited by 3 submitters); PubMed 22810696 (cited by Women's Health and Genetics/Laboratory Corporation of America, LabCorp and Quest Diagnostics Nichols Institute San Juan Capistrano); PubMed 25348012 (cited by Women's Health and Genetics/Laboratory Corporation of America, LabCorp and Quest Diagnostics Nichols Institute San Juan Capistrano); PubMed 28591715 (cited by Women's Health and Genetics/Laboratory Corporation of America, LabCorp and Quest Diagnostics Nichols Institute San Juan Capistrano); PubMed 29044207 (cited by Women's Health and Genetics/Laboratory Corporation of America, LabCorp); PubMed 31112341 (cited by Women's Health and Genetics/Laboratory Corporation of America, LabCorp and Quest Diagnostics Nichols Institute San Juan Capistrano); PubMed 31294896 (cited by Women's Health and Genetics/Laboratory Corporation of America, LabCorp and Quest Diagnostics Nichols Institute San Juan Capistrano); PubMed 33015532 (cited by Women's Health and Genetics/Laboratory Corporation of America, LabCorp and Quest Diagnostics Nichols Institute San Juan Capistrano); PubMed 30348637 (cited by Women's Health and Genetics/Laboratory Corporation of America, LabCorp and Quest Diagnostics Nichols Institute San Juan Capistrano); PubMed 30630528 (cited by Quest Diagnostics Nichols Institute San Juan Capistrano); PubMed 26110843 (cited by Quest Diagnostics Nichols Institute San Juan Capistrano); PubMed 31131967 (cited by Quest Diagnostics Nichols Institute San Juan Capistrano); PubMed 26295337 (cited by Quest Diagnostics Nichols Institute San Juan Capistrano).

NM_000059.4(BRCA2):c.3575T>G (p.Phe1192Cys)

Gene: BRCA2 (BRCA2 DNA repair associated; plus strand). Cytogenetic location: 13q13.1.
Variant type: single nucleotide variant.
Coding change: c.3575T>G on transcript NM_000059.4 (MANE Select); coding-DNA position 3575, T replaced by G.
Protein change: p.Phe1192Cys; replaces phenylalanine 1192 with cysteine.
Molecular consequence: missense variant.
Genome position (GRCh38, 1-based): chr13:32,337,930, T>G. VCF-style: chr13-32337930-T-G. GRCh37 (hg19) VCF-style: chr13-32912067-T-G.
Other names: p.F1192C:TTT>TGT; 3803T>G; short protein forms F1192C.
Identifiers: ClinVar variation 51490 (VCV000051490.35), dbSNP rs80358606, ClinGen allele CA018368.